The following is an entry in ClinVar:

ClinVar aggregate classification (germline): Likely benign (1 of 4 stars; one submission).

Conditions:
VWF-related disorder. Also called: VWF-related condition; VWF-related disorders.

Submission:

PreventionGenetics, part of Exact Sciences
Classification: Likely benign for VWF-related condition. Last evaluated: 2026-03-20. Review status: criteria provided, single submitter. Criteria: ACMG Guidelines, 2015. Collection method: clinical testing. Allele origin: germline.
Comment: This variant is classified as likely benign based on ACMG/AMP sequence variant interpretation guidelines (Richards et al. 2015 PMID: 25741868, with internal and published modifications).

NM_000552.5(VWF):c.1959G>A (p.Pro653=)

Gene: VWF (von Willebrand factor; minus strand). Cytogenetic location: 12p13.31.
Variant type: single nucleotide variant.
Coding change: c.1959G>A on transcript NM_000552.5 (MANE Select); coding-DNA position 1959, G replaced by A.
Protein change: p.Pro653=; no amino-acid change (proline 653 retained).
Molecular consequence: synonymous variant.
Genome position (GRCh38, 1-based): chr12:6,052,770, C>T on the plus strand (G>A on the coding strand, the complement: VWF is on the minus strand). VCF-style: chr12-6052770-C-T. GRCh37 (hg19) VCF-style: chr12-6161936-C-T.
Identifiers: ClinVar variation 4987678 (VCV004987678.1).